The following is an entry in ClinVar:

NM_024854.5(PYROXD1):c.488+1G>T

Gene: PYROXD1 (pyridine nucleotide-disulphide oxidoreductase domain 1; plus strand). Cytogenetic location: 12p12.1.
Variant type: single nucleotide variant.
Coding change: c.488+1G>T on transcript NM_024854.5 (MANE Select); the canonical splice donor site of the intron after coding-DNA position 488, G replaced by T.
Molecular consequence: splice donor variant. On other transcripts: intron variant (1).
Genome position (GRCh38, 1-based): chr12:21,452,155, G>T. VCF-style: chr12-21452155-G-T. GRCh37 (hg19) VCF-style: chr12-21605089-G-T.
Other names: c.-290+2464G>T (NM_001350913.2); c.275+1G>T (NM_001350912.2).
Identifiers: ClinVar variation 2100984 (VCV002100984.5), dbSNP rs2540248611, ClinGen allele CA384107451.

ClinVar aggregate classification (germline): Likely pathogenic (1 of 4 stars; one submission).

Submissions (2):

Labcorp Genetics (formerly Invitae), Labcorp
Classification: Likely pathogenic. Last evaluated: 2025-08-18. Review status: criteria provided, single submitter. Criteria: Invitae Variant Classification Sherloc (09022015). Collection method: clinical testing. Allele origin: germline.
Comment: This sequence change affects a donor splice site in intron 5 of the PYROXD1 gene. It is expected to disrupt RNA splicing. Variants that disrupt the donor or acceptor splice site typically lead to a loss of protein function (PMID: 16199547), and loss-of-function variants in PYROXD1 are known to be pathogenic (PMID: 27745833). This variant is not present in population databases (gnomAD no frequency). This variant has not been reported in the literature in individuals affected with PYROXD1-related conditions. ClinVar contains an entry for this variant (Variation ID: 2100984). Algorithms developed to predict the effect of sequence changes on RNA splicing suggest that this variant may disrupt the consensus splice site. In summary, the currently available evidence indicates that the variant is pathogenic, but additional data are needed to prove that conclusively. Therefore, this variant has been classified as Likely Pathogenic.

Dr. Peter K. Rogan Lab, Western University
No classification provided (evidence only). Condition: Thyroid cancer, nonmedullary, 1. Review status: no classification provided. Collection method: in vitro. Allele origin: not applicable. Functional consequence: skipped exon, retained intron. Not counted in ClinVar's aggregate classification.

Literature cited by the submitters: PubMed 16199547 (cited by Labcorp Genetics (formerly Invitae), Labcorp); PubMed 27745833 (cited by Labcorp Genetics (formerly Invitae), Labcorp).